The following is an entry in ClinVar:

ClinVar aggregate classification (germline): Uncertain significance (1 of 4 stars; one submission).

Allele frequency attached by ClinVar (database versions not stated): ExAC 0.00001; gnomAD exomes 0.00001; TOPMed 0.00001; gnomAD 0.00002.

Submission:

Labcorp Genetics (formerly Invitae), Labcorp
Classification: Uncertain significance. Last evaluated: 2022-09-26. Review status: criteria provided, single submitter. Criteria: Invitae Variant Classification Sherloc (09022015). Collection method: clinical testing. Allele origin: germline.
Comment: In summary, the available evidence is currently insufficient to determine the role of this variant in disease. Therefore, it has been classified as a Variant of Uncertain Significance. This variant has not been reported in the literature in individuals affected with CCDC141-related conditions. This variant is present in population databases (rs769354226, gnomAD 0.004%). This sequence change creates a premature translational stop signal (p.Ala820*) in the CCDC141 gene. It is expected to result in an absent or disrupted protein product. However, the current clinical and genetic evidence is not sufficient to establish whether loss-of-function variants in CCDC141 cause disease.

NM_173648.4(CCDC141):c.2454_2457dup (p.Ala820Ter)

Gene: CCDC141 (coiled-coil domain containing 141; minus strand). Cytogenetic location: 2q31.2.
Variant type: Duplication.
Coding change: c.2454_2457dup on transcript NM_173648.4 (MANE Select); coding-DNA positions 2454 to 2457, 4 bases duplicated (TGAT; older notation c.2454_2457dupTGAT).
Protein change: p.Ala820Ter; replaces alanine 820 with a stop codon.
Molecular consequence: nonsense.
Genome position (GRCh38, 1-based): chr2:178,868,143-178,868,146, ATCA duplicated on the plus strand (TGAT on the coding strand, the reverse complement: CCDC141 is on the minus strand). VCF-style (leftmost placement, unchanged base first): chr2-178868142-C-CATCA. GRCh37 (hg19) VCF-style: chr2-179732869-C-CATCA.
Other names: short protein forms A820*.
Identifiers: ClinVar variation 1924914 (VCV001924914.5), dbSNP rs769354226, ClinGen allele CA2007006.
Genomic context (GRCh38, chr2:178,868,142, plus strand): 5'-GATGGTCTACACGGGCTTGCTTTTCCTGAGAGCACCGGAGGTGAATCTGCACATCATGGG[C>CATCA]ATCACCCAGTTCCTTCGGCTGCTCTACAAACTCCAGCTCTCTTGATTTGATGAGACGTCC-3'